The following is an entry in ClinVar:

ClinVar aggregate classification (germline): Benign/Likely benign. Review status: criteria provided, multiple submitters, no conflicts (2 of 4 stars). 6 submissions from 5 submitters: Benign (4); Likely benign (2). Last evaluated 2026-05-01.

Conditions:
Laryngo-onycho-cutaneous syndrome (JEB2C). Also called: SHABBIR SYNDROME; EPIDERMOLYSIS BULLOSA, JUNCTIONAL 2C, LARYNGOONYCHOCUTANEOUS; LOGIC SYNDROME. Identifiers: Orphanet 2407, MedGen C1328355, MONDO:0009513, OMIM 245660.
Junctional epidermolysis bullosa gravis of Herlitz. Also called: Epidermolysis Bullosa Letalis; Herlitz-type junctional epidermolysis bullosa; EPIDERMOLYSIS BULLOSA, JUNCTIONAL 1B, SEVERE; EPIDERMOLYSIS BULLOSA JUNCTIONALIS, HERLITZ TYPE; EPIDERMOLYSIS BULLOSA, JUNCTIONAL, HERLITZ-PEARSON TYPE; JEB-HERLITZ TYPE. Identifiers: Orphanet 79404, MedGen C0079683, MONDO:0009182, OMIM 226700.

Allele frequency attached by ClinVar (database versions not stated): 1000 Genomes Project 0.00359; 1000 Genomes Project 30x 0.00359; gnomAD 0.00394 and 0.00426; ESP Exome Variant Server 0.00423; TOPMed 0.00485.
gnomAD v4.1: 1,254 of 1,613,986 alleles (0.078%); highest among the groups gnomAD compares: African/African-American, 1.4%; 7 homozygotes.

Submissions (6):

CeGaT Center for Human Genetics Tuebingen
Classification: Likely benign. Last evaluated: 2026-05-01. Review status: criteria provided, single submitter. Criteria: CeGaT Center For Human Genetics Tuebingen Variant Classification Criteria Version 2. Collection method: clinical testing. Allele origin: germline. Affected: yes. Observed: 1 variant allele.
Comment: LAMA3: BP4, BP7, BS1

Labcorp Genetics (formerly Invitae), Labcorp
Classification: Benign. Last evaluated: 2026-01-28. Review status: criteria provided, single submitter. Criteria: Invitae Variant Classification Sherloc (09022015). Collection method: clinical testing. Allele origin: germline.

Blueprint Genetics
Classification: Likely benign. Last evaluated: 2024-10-03. Review status: criteria provided, single submitter. Criteria: ACMG Guidelines, 2015. Collection method: clinical testing. Allele origin: germline.

Illumina Laboratory Services, Illumina
Classification: Benign for Laryngo-onycho-cutaneous syndrome. Last evaluated: 2017-04-27. Review status: criteria provided, single submitter. Criteria: ICSL Variant Classification Criteria 13 December 2019. Collection method: clinical testing. Allele origin: germline.
Comment: This variant was observed as part of a predisposition screen in an ostensibly healthy population. A literature search was performed for the gene, cDNA change, and amino acid change (where applicable). No publications were found based on this search. Allele frequency data from public databases was too high to be consistent with this variant causing disease. Therefore, this variant is classified as benign.

Illumina Laboratory Services, Illumina
Classification: Benign for Junctional epidermolysis bullosa gravis of Herlitz. Last evaluated: 2017-04-27. Review status: criteria provided, single submitter. Criteria: ICSL Variant Classification Criteria 13 December 2019. Collection method: clinical testing. Allele origin: germline.
Comment: the same text as in the submission from Illumina Laboratory Services, Illumina above.

Breakthrough Genomics
Classification: Benign. Review status: criteria provided, single submitter. Criteria: ACMG Guidelines, 2015. Collection method: not provided. Allele origin: germline. Inheritance: Autosomal recessive inheritance. Affected: yes.

NM_198129.4(LAMA3):c.7818G>A (p.Thr2606=)

Gene: LAMA3 (laminin subunit alpha 3; plus strand). Cytogenetic location: 18q11.2.
Variant type: single nucleotide variant.
Coding change: c.7818G>A on transcript NM_198129.4 (MANE Select); coding-DNA position 7818, G replaced by A.
Protein change: p.Thr2606=; no amino-acid change (threonine 2606 retained).
Molecular consequence: synonymous variant.
Genome position (GRCh38, 1-based): chr18:23,916,590, G>A. VCF-style: chr18-23916590-G-A. GRCh37 (hg19) VCF-style: chr18-21496554-G-A.
Other names: c.2991G>A, p.Thr997= (NM_000227.6); c.7650G>A, p.Thr2550= (NM_001127717.4); c.2823G>A, p.Thr941= (NM_001127718.4).
Identifiers: ClinVar variation 709953 (VCV000709953.18), dbSNP rs139567388, ClinGen allele CA8916760.